The following is an entry in ClinVar:

ClinVar aggregate classification (germline): Uncertain significance (1 of 4 stars; one submission).

Conditions:
Leukocyte adhesion deficiency 1 (LAD1). Also called: Lymphocyte function-associated antigen 1 immunodeficiency; LFA 1 immunodeficiency; LEUKOCYTE ADHESION DEFICIENCY, TYPE I; LAD 1. Identifiers: Orphanet 2968, Orphanet 99842, MedGen C0398738, MONDO:0007293, OMIM 116920.

Allele frequency attached by ClinVar (database versions not stated): gnomAD exomes 0.00001.
gnomAD v4.1: 8 of 1,608,150 alleles (0.0005%); highest among the groups gnomAD compares: Middle Eastern, 0.033%; no homozygotes.

Submission:

Labcorp Genetics (formerly Invitae), Labcorp
Classification: Uncertain significance for Leukocyte adhesion deficiency 1. Last evaluated: 2022-02-11. Review status: criteria provided, single submitter. Criteria: Invitae Variant Classification Sherloc (09022015). Collection method: clinical testing. Allele origin: germline.
Comment: This sequence change replaces phenylalanine, which is neutral and non-polar, with leucine, which is neutral and non-polar, at codon 464 of the ITGB2 protein (p.Phe464Leu). This variant is not present in population databases (gnomAD no frequency). This variant has not been reported in the literature in individuals affected with ITGB2-related conditions. Algorithms developed to predict the effect of missense changes on protein structure and function (SIFT, PolyPhen-2, Align-GVGD) all suggest that this variant is likely to be tolerated. In summary, the available evidence is currently insufficient to determine the role of this variant in disease. Therefore, it has been classified as a Variant of Uncertain Significance.

NM_000211.5(ITGB2):c.1392C>G (p.Phe464Leu)

Gene: ITGB2 (integrin subunit beta 2; minus strand). Cytogenetic location: 21q22.3.
Variant type: single nucleotide variant.
Coding change: c.1392C>G on transcript NM_000211.5 (MANE Select); coding-DNA position 1392, C replaced by G.
Protein change: p.Phe464Leu; replaces phenylalanine 464 with leucine.
Molecular consequence: missense variant.
Genome position (GRCh38, 1-based): chr21:44,891,829, G>C on the plus strand (C>G on the coding strand, the complement: ITGB2 is on the minus strand). VCF-style: chr21-44891829-G-C. GRCh37 (hg19) VCF-style: chr21-46311744-G-C.
Other names: c.1392C>G, p.Phe464Leu (NM_001127491.3); c.1185C>G, p.Phe395Leu (NM_001303238.2); short protein forms F395L, F464L.
Identifiers: ClinVar variation 2168238 (VCV002168238.1), dbSNP rs2517087549, ClinGen allele CA410485128.